The following is an entry in ClinVar:

NM_005431.2(XRCC2):c.628T>C (p.Ser210Pro)

Gene: XRCC2 (X-ray repair cross complementing 2; minus strand). Cytogenetic location: 7q36.1.
Variant type: single nucleotide variant.
Coding change: c.628T>C on transcript NM_005431.2 (MANE Select); coding-DNA position 628, T replaced by C.
Protein change: p.Ser210Pro; replaces serine 210 with proline.
Molecular consequence: missense variant.
Genome position (GRCh38, 1-based): chr7:152,648,857, A>G on the plus strand (T>C on the coding strand, the complement: XRCC2 is on the minus strand). VCF-style: chr7-152648857-A-G. GRCh37 (hg19) VCF-style: chr7-152345942-A-G.
Other names: short protein forms S210P.
Identifiers: ClinVar variation 826301 (VCV000826301.4), dbSNP rs1590129342, ClinGen allele CA370198289.

ClinVar aggregate classification (germline): Uncertain significance (1 of 4 stars; one submission).

Conditions:
Hereditary cancer-predisposing syndrome. Also called: Neoplastic Syndromes, Hereditary; Tumor predisposition; Hereditary neoplastic syndrome; Hereditary Cancer Syndrome. Identifiers: Orphanet 140162, MedGen C0027672, MeSH D009386, MONDO:0015356.

Submission:

Ambry Genetics
Classification: Uncertain significance for Hereditary cancer-predisposing syndrome. Last evaluated: 2019-05-14. Review status: criteria provided, single submitter. Criteria: Ambry Variant Classification Scheme 2023. Collection method: clinical testing. Allele origin: germline.
Comment: The p.S210P variant (also known as c.628T>C), located in coding exon 3 of the XRCC2 gene, results from a T to C substitution at nucleotide position 628. The serine at codon 210 is replaced by proline, an amino acid with similar properties. This amino acid position is not well conserved in available vertebrate species. In addition, this alteration is predicted to be tolerated by in silico analysis. Since supporting evidence is limited at this time, the clinical significance of this alteration remains unclear.